The following is an entry in ClinVar:

ClinVar aggregate classification (germline): Uncertain significance (1 of 4 stars; one submission).

Submission:

Labcorp Genetics (formerly Invitae), Labcorp
Classification: Uncertain significance. Last evaluated: 2019-11-26. Review status: criteria provided, single submitter. Criteria: Invitae Variant Classification Sherloc (09022015). Collection method: clinical testing. Allele origin: germline.
Comment: This sequence change results in a premature translational stop signal in the NEXMIF gene (p.Lys1461Metfs*2). While this is not anticipated to result in nonsense mediated decay, it is expected to disrupt the last 56 amino acids of the NEXMIF protein. This variant is not present in population databases (ExAC no frequency). This variant has not been reported in the literature in individuals with NEXMIF-related conditions. In summary, the available evidence is currently insufficient to determine the role of this variant in disease. Therefore, it has been classified as a Variant of Uncertain Significance.

NM_001008537.3(NEXMIF):c.4382_4383del (p.Lys1461fs)

Gene: NEXMIF (neurite extension and migration factor; minus strand). Cytogenetic location: Xq13.3.
Variant type: Deletion.
Coding change: c.4382_4383del on transcript NM_001008537.3 (MANE Select); coding-DNA positions 4382 to 4383, 2 bases deleted (AA; older notation c.4382_4383delAA).
Protein change: p.Lys1461fs; shifts the reading frame from lysine 1461.
Molecular consequence: frameshift variant.
Genome position (GRCh38, 1-based): chrX:74,740,174-74,740,175, TT deleted on the plus strand (AA on the coding strand, the reverse complement: NEXMIF is on the minus strand); deleting any 2 consecutive bases within chrX:74,740,174-74,740,176 gives the same sequence; the c. name uses the placement nearest the transcript's 3' end. VCF-style (leftmost placement, unchanged base first): chrX-74740173-ATT-A. GRCh37 (hg19) VCF-style: chrX-73960008-ATT-A.
Other names: short protein forms K1461fs.
Identifiers: ClinVar variation 851365 (VCV000851365.3), dbSNP rs2080097220, ClinGen allele CA916083970.